The following is an entry in ClinVar:

ClinVar aggregate classification (germline): Uncertain significance (1 of 4 stars; one submission).

Conditions:
Primary ciliary dyskinesia. Also called: Ciliary dyskinesia. Identifiers: Orphanet 244, MedGen C0008780, MONDO:0016575, HP:0012265.

Allele frequency attached by ClinVar (database versions not stated): gnomAD exomes below 0.00001; gnomAD 0.00001; TOPMed 0.00003.

Submission:

Labcorp Genetics (formerly Invitae), Labcorp
Classification: Uncertain significance for Primary ciliary dyskinesia. Last evaluated: 2022-01-22. Review status: criteria provided, single submitter. Criteria: Invitae Variant Classification Sherloc (09022015). Collection method: clinical testing. Allele origin: germline.
Comment: This sequence change replaces serine, which is neutral and polar, with asparagine, which is neutral and polar, at codon 102 of the DNAAF2 protein (p.Ser102Asn). This variant is present in population databases (no rsID available, gnomAD 0.01%). This variant has not been reported in the literature in individuals affected with DNAAF2-related conditions. Algorithms developed to predict the effect of missense changes on protein structure and function are either unavailable or do not agree on the potential impact of this missense change (SIFT: "Tolerated"; PolyPhen-2: "Possibly Damaging"; Align-GVGD: "Class C0"). In summary, the available evidence is currently insufficient to determine the role of this variant in disease. Therefore, it has been classified as a Variant of Uncertain Significance.

NM_018139.3(DNAAF2):c.305G>A (p.Ser102Asn)

Gene: DNAAF2 (dynein axonemal assembly factor 2; minus strand). Cytogenetic location: 14q21.3.
Variant type: single nucleotide variant.
Coding change: c.305G>A on transcript NM_018139.3 (MANE Select); coding-DNA position 305, G replaced by A.
Protein change: p.Ser102Asn; replaces serine 102 with asparagine.
Molecular consequence: missense variant.
Genome position (GRCh38, 1-based): chr14:49,634,845, C>T on the plus strand (G>A on the coding strand, the complement: DNAAF2 is on the minus strand). VCF-style: chr14-49634845-C-T. GRCh37 (hg19) VCF-style: chr14-50101563-C-T.
Other names: c.305G>A, p.Ser102Asn (NM_001083908.2); short protein forms S102N.
Identifiers: ClinVar variation 1979377 (VCV001979377.1), dbSNP rs997340567, ClinGen allele CA260670038.
Genomic context (GRCh38, chr14:49,634,845, plus strand): 5'-GGCAGGGACCAGTGGCTGCCAGGAGCTGCGCCCCGGTCGCCACCGGAGCCGGGCCGGCTG[C>T]TGGGCGCGCCCACCAACGCGTTGCTGCAGACATTCACAAAGCAGCGCCGCGCCCCGTCCA-3'
Protein context (NP_060609.2, residues 92-112): VCSNALVGAP[Ser102Asn]SRPGSGGDRG